The following is an entry in ClinVar:

NM_153026.3(PRICKLE1):c.588+18C>T

Gene: PRICKLE1 (prickle planar cell polarity protein 1; minus strand). Cytogenetic location: 12q12.
Variant type: single nucleotide variant.
Coding change: c.588+18C>T on transcript NM_153026.3 (MANE Select); 18 bases into the intron after coding-DNA position 588, C replaced by T.
Molecular consequence: intron variant.
Genome position (GRCh38, 1-based): chr12:42,468,608, G>A on the plus strand (C>T on the coding strand, the complement: PRICKLE1 is on the minus strand). VCF-style: chr12-42468608-G-A. GRCh37 (hg19) VCF-style: chr12-42862410-G-A.
Other names: c.588+18C>T (NM_001144883.2, NM_001144882.2, NM_001144881.2).
Identifiers: ClinVar variation 517878 (VCV000517878.8), dbSNP rs777295798, ClinGen allele CA6519884.

ClinVar aggregate classification (germline): Likely benign. Review status: criteria provided, multiple submitters, no conflicts (2 of 4 stars). 2 submissions from 2 submitters: Likely benign (2). Last evaluated 2021-11-27.

Conditions:
Epilepsy, progressive myoclonic, 1B. Also called: PME. Identifiers: Orphanet 308, MedGen C2676254, MONDO:0012904, OMIM 612437.

Allele frequency attached by ClinVar (database versions not stated): ExAC 0.00002; gnomAD exomes 0.00002 and 0.00003; TOPMed 0.00004; gnomAD 0.00005.
gnomAD v4.1: 57 of 1,611,206 alleles (0.0035%); highest among the groups gnomAD compares: African/African-American, 0.0067%; no homozygotes.

Submissions (2):

Labcorp Genetics (formerly Invitae), Labcorp
Classification: Likely benign for Epilepsy, progressive myoclonic, 1B. Last evaluated: 2021-11-27. Review status: criteria provided, single submitter. Criteria: Invitae Variant Classification Sherloc (09022015). Collection method: clinical testing. Allele origin: germline.

GeneDx
Classification: Likely benign. Last evaluated: 2017-12-26. Review status: criteria provided, single submitter. Criteria: GeneDx Variant Classification (06012015). Collection method: clinical testing. Allele origin: germline. Affected: yes.
Comment: This variant is considered likely benign or benign based on one or more of the following criteria: it is a conservative change, it occurs at a poorly conserved position in the protein, it is predicted to be benign by multiple in silico algorithms, and/or has population frequency not consistent with disease.